The following is an entry in ClinVar:

NM_022455.5(NSD1):c.5629C>T (p.Arg1877Cys)

Gene: NSD1 (nuclear receptor binding SET domain protein 1; plus strand). Cytogenetic location: 5q35.3.
Variant type: single nucleotide variant.
Coding change: c.5629C>T on transcript NM_022455.5 (MANE Select); coding-DNA position 5629, C replaced by T.
Protein change: p.Arg1877Cys; replaces arginine 1877 with cysteine.
Molecular consequence: missense variant.
Genome position (GRCh38, 1-based): chr5:177,280,571, C>T. VCF-style: chr5-177280571-C-T. GRCh37 (hg19) VCF-style: chr5-176707572-C-T.
Other names: c.4756C>T, p.Arg1586Cys (NM_001365684.2, NM_001409308.1, NM_001409309.1 and 1 more transcripts); c.5629C>T, p.Arg1877Cys (NM_001409301.1, NM_001409302.1, NM_001409303.1); c.5209C>T, p.Arg1737Cys (NM_001409304.1); c.4876C>T, p.Arg1626Cys (NM_001409305.1); c.4867C>T, p.Arg1623Cys (NM_001409306.1, NM_001409307.1); short protein forms R1586C, R1623C, R1626C, R1737C, R1877C.
Identifiers: ClinVar variation 2446024 (VCV002446024.5), dbSNP rs2127256855, ClinGen allele CA362311912.

ClinVar aggregate classification (germline): Conflicting classifications of pathogenicity. Review status: criteria provided, conflicting classifications (1 of 4 stars). 4 submissions from 4 submitters: Likely pathogenic (2); Uncertain significance (2). Last evaluated 2025-01-28.

Conditions:
Sotos syndrome (SOTOS). Also called: CHROMOSOME 5q35 DELETION SYNDROME; SOTOS SYNDROME 1; CEREBRAL GIGANTISM; Sotos' syndrome; Distinctive facial appearance, overgrowth in childhood, and learning disabilities or delayed development. Identifiers: Orphanet 821, MedGen C0175695, MONDO:0019349, OMIM 117550.
Inborn genetic diseases. Identifiers: MedGen C0950123, MeSH D030342.
NSD1-related disorder. Also called: NSD1-related condition.

Submissions (4):

Ambry Genetics
Classification: Uncertain significance for Inborn genetic diseases. Last evaluated: 2025-01-28. Review status: criteria provided, single submitter. Criteria: Ambry Variant Classification Scheme 2023. Collection method: clinical testing. Allele origin: germline.
Comment: The c.5629C>T (p.R1877C) alteration is located in exon 18 (coding exon 17) of the NSD1 gene. This alteration results from a C to T substitution at nucleotide position 5629, causing the arginine (R) at amino acid position 1877 to be replaced by a cysteine (C). This variant was not reported in population-based cohorts in the Genome Aggregation Database (gnomAD). This alteration was reported in an individual with global developmental delay, autistic behavior, tall stature, macrocephaly, aortic root aneurysm, hypotonia, scoliosis, thick eyebrows, and long fingers (DECIPHER). This amino acid position is well conserved in available vertebrate species. This missense alteration is located in a region that has a low rate of benign missense variation (Lek, 2016; Firth, 2009). This alteration is predicted to be deleterious by in silico analysis. Based on insufficient or conflicting evidence, the clinical significance of this alteration remains unclear.

3billion
Classification: Uncertain significance for Sotos syndrome. Last evaluated: 2024-03-07. Review status: criteria provided, single submitter. Criteria: ACMG Guidelines, 2015. Collection method: clinical testing. Allele origin: germline. Affected: yes.
Comment: The variant is not observed in the gnomAD v2.1.1 dataset. Predicted Consequence/Location: Missense variant In silico tool predictions suggest damaging effect of the variant on gene or gene product [REVEL: 0.73 (>=0.6, sensitivity 0.68 and specificity 0.92); 3Cnet: 0.96 (>=0.6, sensitivity 0.72 and precision 0.9)]. Same nucleotide change resulting in same amino acid change has been previously reported to be associated with NSD1-related disorder (ClinVar ID: VCV002446024). However, the evidence of pathogenicity is insufficient at this time. Therefore, this variant is classified as VUS according to the recommendation of ACMG/AMP guideline.

Center for Personalized Medicine, Children's Hospital Los Angeles
Classification: Likely pathogenic. Last evaluated: 2022-12-21. Review status: criteria provided, single submitter. Criteria: ACMG Guidelines, 2015. Collection method: clinical testing. Allele origin: de novo. Affected: yes.

Blueprint Genetics
Classification: Likely pathogenic for NSD1-related disorders. Last evaluated: 2019-02-27. Review status: criteria provided, single submitter. Criteria: ACMG Guidelines, 2015. Collection method: clinical testing. Allele origin: germline. Affected: yes. Observed: 2 variant alleles.